The following is an entry in ClinVar:

NM_001008212.2(OPTN):c.389G>A (p.Arg130Lys)

Gene: OPTN (optineurin; plus strand). Cytogenetic location: 10p13.
Variant type: single nucleotide variant.
Coding change: c.389G>A on transcript NM_001008212.2 (MANE Select); coding-DNA position 389, G replaced by A.
Protein change: p.Arg130Lys; replaces arginine 130 with lysine.
Molecular consequence: missense variant.
Genome position (GRCh38, 1-based): chr10:13,112,472, G>A. VCF-style: chr10-13112472-G-A. GRCh37 (hg19) VCF-style: chr10-13154472-G-A.
Other names: c.389G>A, p.Arg130Lys (NM_001008211.1, NM_001008213.1, NM_021980.4); short protein forms R130K.
Identifiers: ClinVar variation 1735982 (VCV001735982.2), dbSNP rs1357436665, ClinGen allele CA376027805.

ClinVar aggregate classification (germline): Uncertain significance (1 of 4 stars; one submission).

Conditions:
Inborn genetic diseases. Identifiers: MedGen C0950123, MeSH D030342.

Allele frequency attached by ClinVar (database versions not stated): TOPMed below 0.00001; gnomAD exomes 0.00001.
gnomAD v4.1: 3 of 1,613,988 alleles (0.00019%); highest among the groups gnomAD compares: East Asian, 0.0067%; no homozygotes.

Submission:

Ambry Genetics
Classification: Uncertain significance for Inborn genetic diseases. Last evaluated: 2020-12-02. Review status: criteria provided, single submitter. Criteria: Ambry Variant Classification Scheme 2023. Collection method: clinical testing. Allele origin: germline.
Comment: The p.R130K variant (also known as c.389G>A), located in coding exon 3 of the OPTN gene, results from a G to A substitution at nucleotide position 389. The arginine at codon 130 is replaced by lysine, an amino acid with highly similar properties. This amino acid position is poorly conserved in available vertebrate species. In addition, this alteration is predicted to be tolerated by in silico analysis. Based on the supporting evidence, this variant is unlikely to be causative of autosomal dominant amyotrophic lateral sclerosis; however, its contribution to the development of autosomal recessive amyotrophic lateral sclerosis is uncertain.